The following is an entry in ClinVar:

NM_016219.5(MAN1B1):c.1091C>A (p.Pro364His)

Gene: MAN1B1 (mannosidase alpha class 1B member 1; plus strand). Cytogenetic location: 9q34.3.
Variant type: single nucleotide variant.
Coding change: c.1091C>A on transcript NM_016219.5 (MANE Select); coding-DNA position 1091, C replaced by A.
Protein change: p.Pro364His; replaces proline 364 with histidine.
Molecular consequence: missense variant. On other transcripts: non-coding transcript variant (2).
Genome position (GRCh38, 1-based): chr9:137,101,509, C>A. VCF-style: chr9-137101509-C-A. GRCh37 (hg19) VCF-style: chr9-139995961-C-A.
Other names: c.983C>A, p.Pro328His (NM_007230.1); short protein forms P328H, P364H.
Identifiers: ClinVar variation 2130652 (VCV002130652.4), dbSNP rs1830810005, ClinGen allele CA375650464.

ClinVar aggregate classification (germline): Uncertain significance (1 of 4 stars; one submission).

Conditions:
Rafiq syndrome (RAFQS). Identifiers: Orphanet 88616, MedGen C3280127, MONDO:0013624, OMIM 614202.

Allele frequency attached by ClinVar (database versions not stated): gnomAD 0.00001.
gnomAD v4.1: 1 of 1,613,816 alleles (0.000062%); highest among the groups gnomAD compares: South Asian, 0.0011%; no homozygotes.

Submission:

Labcorp Genetics (formerly Invitae), Labcorp
Classification: Uncertain significance for Rafiq syndrome. Last evaluated: 2022-04-25. Review status: criteria provided, single submitter. Criteria: Invitae Variant Classification Sherloc (09022015). Collection method: clinical testing. Allele origin: germline.
Comment: In summary, the available evidence is currently insufficient to determine the role of this variant in disease. Therefore, it has been classified as a Variant of Uncertain Significance. Algorithms developed to predict the effect of missense changes on protein structure and function are either unavailable or do not agree on the potential impact of this missense change (SIFT: "Deleterious"; PolyPhen-2: "Benign"; Align-GVGD: "Class C0"). This variant has not been reported in the literature in individuals affected with MAN1B1-related conditions. This variant is not present in population databases (gnomAD no frequency). This sequence change replaces proline, which is neutral and non-polar, with histidine, which is basic and polar, at codon 364 of the MAN1B1 protein (p.Pro364His).